The following is an entry in ClinVar:

NM_004304.5(ALK):c.917G>A (p.Gly306Glu)

Gene: ALK (ALK receptor tyrosine kinase; minus strand). Cytogenetic location: 2p23.2.
Variant type: single nucleotide variant.
Coding change: c.917G>A on transcript NM_004304.5 (MANE Select); coding-DNA position 917, G replaced by A.
Protein change: p.Gly306Glu; replaces glycine 306 with glutamic acid.
Molecular consequence: missense variant.
Genome position (GRCh38, 1-based): chr2:29,694,885, C>T on the plus strand (G>A on the coding strand, the complement: ALK is on the minus strand). VCF-style: chr2-29694885-C-T. GRCh37 (hg19) VCF-style: chr2-29917751-C-T.
Other names: c.917G>A (NM_004304.4); short protein forms G306E.
Identifiers: ClinVar variation 1466341 (VCV001466341.9), dbSNP rs2148289672, ClinGen allele CA346586874.

ClinVar aggregate classification (germline): Uncertain significance. Review status: criteria provided, multiple submitters, no conflicts (2 of 4 stars). 2 submissions from 2 submitters: Uncertain significance (2). Last evaluated 2025-12-24.

Conditions:
Neuroblastoma, susceptibility to, 3. Also called: ALK-Related Neuroblastic Tumor Susceptibility. Identifiers: Orphanet 635, MedGen C2751681, MONDO:0013083, OMIM 613014.
Hereditary cancer-predisposing syndrome. Also called: Neoplastic Syndromes, Hereditary; Tumor predisposition; Hereditary Cancer Syndrome; Hereditary neoplastic syndrome. Identifiers: Orphanet 140162, MedGen C0027672, MeSH D009386, MONDO:0015356.

Submissions (2):

Ambry Genetics
Classification: Uncertain significance for Hereditary cancer-predisposing syndrome. Last evaluated: 2025-12-24. Review status: criteria provided, single submitter. Criteria: Ambry Variant Classification Scheme 2023. Collection method: clinical testing. Allele origin: germline.
Comment: The p.G306E variant (also known as c.917G>A), located in coding exon 3 of the ALK gene, results from a G to A substitution at nucleotide position 917. The glycine at codon 306 is replaced by glutamic acid, an amino acid with similar properties. This amino acid position is highly conserved in available vertebrate species. In addition, the in silico prediction for this alteration is inconclusive. Based on the available evidence, the clinical significance of this variant remains unclear.

Labcorp Genetics (formerly Invitae), Labcorp
Classification: Uncertain significance for Neuroblastoma, susceptibility to, 3. Last evaluated: 2022-02-04. Review status: criteria provided, single submitter. Criteria: Invitae Variant Classification Sherloc (09022015). Collection method: clinical testing. Allele origin: germline.
Comment: In summary, the available evidence is currently insufficient to determine the role of this variant in disease. Therefore, it has been classified as a Variant of Uncertain Significance. Algorithms developed to predict the effect of missense changes on protein structure and function are either unavailable or do not agree on the potential impact of this missense change (SIFT: "Deleterious"; PolyPhen-2: "Possibly Damaging"; Align-GVGD: "Class C0"). This variant has not been reported in the literature in individuals affected with ALK-related conditions. This variant is not present in population databases (gnomAD no frequency). This sequence change replaces glycine, which is neutral and non-polar, with glutamic acid, which is acidic and polar, at codon 306 of the ALK protein (p.Gly306Glu).